The following is an entry in ClinVar:

NM_022051.3(EGLN1):c.439G>A (p.Glu147Lys)

Gene: EGLN1 (egl-9 family hypoxia inducible factor 1; minus strand). Cytogenetic location: 1q42.2.
Variant type: single nucleotide variant.
Coding change: c.439G>A on transcript NM_022051.3 (MANE Select); coding-DNA position 439, G replaced by A.
Protein change: p.Glu147Lys; replaces glutamic acid 147 with lysine.
Molecular consequence: missense variant.
Genome position (GRCh38, 1-based): chr1:231,421,450, C>T on the plus strand (G>A on the coding strand, the complement: EGLN1 is on the minus strand). VCF-style: chr1-231421450-C-T. GRCh37 (hg19) VCF-style: chr1-231557196-C-T.
Other names: c.439G>A, p.Glu147Lys (NM_001377260.1, NM_001377261.1); short protein forms E147K.
Identifiers: ClinVar variation 4663419 (VCV004663419.1).

ClinVar aggregate classification (germline): Uncertain significance (1 of 4 stars; one submission).

Submission:

Ambry Genetics
Classification: Uncertain significance. Last evaluated: 2025-11-30. Review status: criteria provided, single submitter. Criteria: Ambry Variant Classification Scheme 2023. Collection method: clinical testing. Allele origin: germline.
Comment: The p.E147K variant (also known as c.439G>A), located in coding exon 1 of the EGLN1 gene, results from a G to A substitution at nucleotide position 439. The glutamic acid at codon 147 is replaced by lysine, an amino acid with similar properties. This amino acid position is conserved. In addition, this alteration is predicted to be tolerated by in silico analysis. Based on the available evidence, the clinical significance of this variant remains unclear.